The following is an entry in ClinVar:

ClinVar aggregate classification (germline): Pathogenic (1 of 4 stars; one submission).

Conditions:
Fanconi anemia (FA). Also called: Fanconi's anemia. Identifiers: Orphanet 84, MedGen C0015625, MeSH D005199, MONDO:0019391.

Submission:

Labcorp Genetics (formerly Invitae), Labcorp
Classification: Pathogenic for Fanconi anemia. Last evaluated: 2021-08-12. Review status: criteria provided, single submitter. Criteria: Invitae Variant Classification Sherloc (09022015). Collection method: clinical testing. Allele origin: germline.
Comment: This variant is a gross deletion of the genomic region encompassing exon(s) 15-21 of the FANCA gene. This deletion is out-of-frame, and is expected to create a premature termination codon and result in an absent or disrupted protein product. Loss-of-function variants in FANCA are known to be pathogenic (PMID: 19367192). A similar copy number variant has been observed in individual(s) with Fanconi anemia (PMID: 15523645). For these reasons, this variant has been classified as Pathogenic.

Literature cited by the submitters: PubMed 19367192; PubMed 15523645.

NC_000016.9:g.(?_89842140)_(89851382_?)del

Gene: FANCA (FA complementation group A; minus strand). Cytogenetic location: 16q24.3.
Variant type: Deletion.
Identifiers: ClinVar variation 1073172 (VCV001073172.6).